The following is an entry in ClinVar:

ClinVar aggregate classification (germline): Conflicting classifications of pathogenicity. Review status: criteria provided, conflicting classifications (1 of 4 stars). 5 submissions from 5 submitters: Pathogenic (1); Uncertain significance (3). 1 of the submissions does not count toward it. Last evaluated 2024-09-03.

Conditions:
Usher syndrome type 1D (USH1D). Also called: USHER SYNDROME, TYPE ID. Identifiers: Orphanet 231169, Orphanet 886, MedGen C1832845, MONDO:0010984, OMIM 601067.
Autosomal recessive nonsyndromic hearing loss 23. Identifiers: Orphanet 90636, MedGen C1836027, MONDO:0012293, OMIM 609533.
Usher syndrome type 1F (USH1F). Also called: USHER SYNDROME, TYPE IF. Identifiers: Orphanet 231169, Orphanet 886, MedGen C1865885, MONDO:0011186, OMIM 602083.

Allele frequency attached by ClinVar (database versions not stated): ExAC 0.00001; gnomAD exomes below 0.00001.
gnomAD v4.1: 1 of 1,613,844 alleles (0.000062%); highest among the groups gnomAD compares: Admixed American, 0.0017%; no homozygotes.

Submissions (5):

Labcorp Genetics (formerly Invitae), Labcorp
Classification: Pathogenic. Last evaluated: 2024-09-03. Review status: criteria provided, single submitter. Criteria: Invitae Variant Classification Sherloc (09022015). Collection method: clinical testing. Allele origin: germline.
Comment: This sequence change falls in intron 21 of the PCDH15 gene. It does not directly change the encoded amino acid sequence of the PCDH15 protein. It affects a nucleotide within the consensus splice site. This variant is present in population databases (rs757993503, gnomAD 0.003%). This variant has been observed in individual(s) with clinical features of PCDH15-related conditions and/or Usher syndrome (PMID: 22815625, 32483926; internal data). In at least one individual the data is consistent with being in trans (on the opposite chromosome) from a pathogenic variant. ClinVar contains an entry for this variant (Variation ID: 1011092). Variants that disrupt the consensus splice site are a relatively common cause of aberrant splicing (PMID: 17576681, 9536098). Studies have shown that this variant does not affect mRNA splicing (PMID: 23451239). For these reasons, this variant has been classified as Pathogenic.

Broad Center for Mendelian Genomics, Broad Institute of MIT and Harvard
Classification: Uncertain significance for Usher syndrome type 1F. Last evaluated: 2023-01-24. Review status: criteria provided, single submitter. Criteria: ACMG Guidelines, 2015. Collection method: curation. Allele origin: germline. Inheritance: Autosomal recessive inheritance.
Comment: The c.2868+5G>A variant in PCDH15 has been reported in 2 individuals with Usher syndrome type 1F (PMID: 22815625, 32483926) and has been identified in 0.003% (1/34582) of Latino/Admixed American chromosomes by the Genome Aggregation Database (gnomAD; dbSNP ID: rs757993503). Although this variant has been seen in the general population in a heterozygous state, its frequency is low enough to be consistent with a recessive carrier frequency. This variant has also been reported in ClinVar (Variation ID#: 1011092) and has been interpreted as a variant of uncertain significance by Invitae and Natera, Inc.. Of the 2 affected individuals, 1 was a compound heterozygote that carried a reported pathogenic variant in trans, which increases the likelihood that the c.2868+5G>A variant is pathogenic (VariationID: 371411; PMID: 22815625). In vitro functional studies provide some evidence that the c.2868+5G>A variant may not impact protein function (PMID: 23451239). However, these types of assays may not accurately represent biological function This variant is located in the 3' splice region. Computational tools do suggest an impact to splicing. However, this information is not predictive enough to determine pathogenicity. In summary, the clinical significance of the c.2868+5G>A variant is uncertain. ACMG/AMP Criteria applied: PM3, BS3_supporting, PP3, PM2_supporting (Richards 2015).

Blueprint Genetics
Classification: Uncertain significance. Last evaluated: 2021-12-21. Review status: criteria provided, single submitter. Criteria: ACMG Guidelines, 2015. Collection method: clinical testing. Allele origin: germline.

Fulgent Genetics
Classification: Uncertain significance for Usher syndrome type 1D; Usher syndrome type 1F; Autosomal recessive nonsyndromic hearing loss 23. Last evaluated: 2021-11-02. Review status: criteria provided, single submitter. Criteria: ACMG Guidelines, 2015. Collection method: clinical testing. Allele origin: unknown.

Natera, Inc.
Classification: Uncertain significance for Usher syndrome type 1F. Last evaluated: 2020-08-25. Review status: no assertion criteria provided. Collection method: clinical testing. Allele origin: germline. Not counted in ClinVar's aggregate classification.

Literature cited by the submitters: PubMed 22815625 (cited by Labcorp Genetics (formerly Invitae), Labcorp); PubMed 32483926 (cited by Labcorp Genetics (formerly Invitae), Labcorp); PubMed 17576681 (cited by Labcorp Genetics (formerly Invitae), Labcorp); PubMed 9536098 (cited by Labcorp Genetics (formerly Invitae), Labcorp); PubMed 23451239 (cited by Labcorp Genetics (formerly Invitae), Labcorp).

NM_001384140.1(PCDH15):c.2868+5G>A

Gene: PCDH15 (protocadherin related 15; minus strand). Cytogenetic location: 10q21.1.
Variant type: single nucleotide variant.
Coding change: c.2868+5G>A on transcript NM_001384140.1 (MANE Select); 5 bases into the intron after coding-DNA position 2868, G replaced by A.
Molecular consequence: intron variant. On other transcripts: missense variant (1).
Genome position (GRCh38, 1-based): chr10:53,995,644, C>T on the plus strand (G>A on the coding strand, the complement: PCDH15 is on the minus strand). VCF-style: chr10-53995644-C-T. GRCh37 (hg19) VCF-style: chr10-55755404-C-T.
Other names: c.2873G>A, p.Ser958Asn (NM_001354430.2); c.2868+5G>A (NM_001354420.2, NM_001354429.2, NM_001142772.2 and 4 more transcripts); c.2883+5G>A (NM_001142771.2, NM_001142763.2); c.2889+5G>A (NM_001354411.2); c.2904+5G>A (NM_001142769.3); c.2802+5G>A (NM_001354404.2, NM_001142773.2, NM_001142768.2); c.2757+5G>A (NM_001142767.2); c.2655+5G>A (NM_001142765.2); short protein forms S958N.
Identifiers: ClinVar variation 1011092 (VCV001011092.11), dbSNP rs757993503, ClinGen allele CA5505910.